The following is an entry in ClinVar:

ClinVar aggregate classification (germline): Uncertain significance (1 of 4 stars; one submission).

Conditions:
Hereditary cancer-predisposing syndrome. Also called: Tumor predisposition; Hereditary neoplastic syndrome; Hereditary Cancer Syndrome; Neoplastic Syndromes, Hereditary. Identifiers: Orphanet 140162, MedGen C0027672, MeSH D009386, MONDO:0015356.

Submission:

Ambry Genetics
Classification: Uncertain significance for Hereditary cancer-predisposing syndrome. Last evaluated: 2024-01-01. Review status: criteria provided, single submitter. Criteria: Ambry Variant Classification Scheme 2023. Collection method: clinical testing. Allele origin: germline.
Comment: The p.D1051G variant (also known as c.3152A>G), located in coding exon 23 of the MSH3 gene, results from an A to G substitution at nucleotide position 3152. The aspartic acid at codon 1051 is replaced by glycine, an amino acid with similar properties. This amino acid position is conserved. In addition, this alteration is predicted to be tolerated by in silico analysis. Since supporting evidence is limited at this time, the clinical significance of this alteration remains unclear.

NM_002439.5(MSH3):c.3152A>G (p.Asp1051Gly)

Gene: MSH3 (mutS homolog 3; plus strand). Cytogenetic location: 5q14.1.
Variant type: single nucleotide variant.
Coding change: c.3152A>G on transcript NM_002439.5 (MANE Select); coding-DNA position 3152, A replaced by G.
Protein change: p.Asp1051Gly; replaces aspartic acid 1051 with glycine.
Molecular consequence: missense variant.
Genome position (GRCh38, 1-based): chr5:80,873,137, A>G. VCF-style: chr5-80873137-A-G. GRCh37 (hg19) VCF-style: chr5-80168956-A-G.
Other names: short protein forms D1051G.
Identifiers: ClinVar variation 3222287 (VCV003222287.1), dbSNP rs2478804931, ClinGen allele CA360346826.
Genomic context (GRCh38, chr5:80,873,137, plus strand): 5'-TTTCAGGCACAGTTTTGATCTCCTTTCTTTATTTCACAGGCGCAGCAGAACAAGTCCCTG[A>G]TTTTGTCACCTTCCTTTACCAAATAACTAGAGGAATTGCAGCAAGGAGTTATGGATTAAA-3'
Protein context (NP_002430.3, residues 1041-1061): LDPGAAEQVP[Asp1051Gly]FVTFLYQITR